The following is an entry in ClinVar:

NM_006206.6(PDGFRA):c.1998_1999delinsTC (p.Lys666_Ser667delinsAsnPro)

Gene: PDGFRA (platelet derived growth factor receptor alpha; plus strand). Cytogenetic location: 4q12.
Variant type: Indel.
Coding change: c.1998_1999delinsTC on transcript NM_006206.6 (MANE Select); coding-DNA positions 1998 to 1999, GT replaced by TC.
Protein change: p.Lys666_Ser667delinsAsnPro.
Molecular consequence: missense variant.
Genome position (GRCh38, 1-based): chr4:54,278,002-54,278,003, GT replaced by TC. VCF-style: chr4-54278002-GT-TC. GRCh37 (hg19) VCF-style: chr4-55144169-GT-TC.
Other names: c.1998_1999delinsTC, p.Lys666_Ser667delinsAsnPro (NM_001347827.2, NM_001347829.2); c.2073_2074delinsTC, p.Lys691_Ser692delinsAsnPro (NM_001347828.2); c.2037_2038delinsTC, p.Lys679_Ser680delinsAsnPro (NM_001347830.2).
Identifiers: ClinVar variation 954975 (VCV000954975.10), dbSNP rs1723832698, ClinGen allele CA1139658499.
Genomic context (GRCh38, chr4:54,278,002, plus strand): 5'-GATAATGACTCACCTGGGGCCACATTTGAACATTGTAAACTTGCTGGGAGCCTGCACCAA[GT>TC]CAGGTGGGCTCACTGACCTGGAGTGAGGATTTTCACTGGACACATGTGGTTGTGAAAACT-3'

ClinVar aggregate classification (germline): Uncertain significance (1 of 4 stars; one submission).

Conditions:
Gastrointestinal stromal tumor. Also called: Gastrointestinal stromal tumor, somatic; Gastrointestinal stroma tumor. Identifiers: Orphanet 44890, MedGen C0238198, MeSH D046152, MONDO:0011719, OMIM 606764, HP:0100723.

Submission:

Labcorp Genetics (formerly Invitae), Labcorp
Classification: Uncertain significance for Gastrointestinal stromal tumor. Last evaluated: 2019-10-28. Review status: criteria provided, single submitter. Criteria: Invitae Variant Classification Sherloc (09022015). Collection method: clinical testing. Allele origin: germline.
Comment: This variant, c.1998_1999delinsTC, is a complex sequence change that results in the deletion of 2 and insertion of 2 amino acids in the PDGFRA protein (p.Lys666_Ser667delinsAsnPro). This variant is not present in population databases (ExAC no frequency). This variant has not been reported in the literature in individuals with PDGFRA-related conditions. Experimental studies and prediction algorithms are not available or were not evaluated, and the functional significance of this variant is currently unknown. In summary, the available evidence is currently insufficient to determine the role of this variant in disease. Therefore, it has been classified as a Variant of Uncertain Significance.